The following is an entry in ClinVar:

NM_152743.4(BRAT1):c.1207G>A (p.Gly403Ser)

Gene: BRAT1 (BRCA1 associated ATM activator 1; minus strand). Cytogenetic location: 7p22.3.
Variant type: single nucleotide variant.
Coding change: c.1207G>A on transcript NM_152743.4 (MANE Select); coding-DNA position 1207, G replaced by A.
Protein change: p.Gly403Ser; replaces glycine 403 with serine.
Molecular consequence: missense variant. On other transcripts: non-coding transcript variant (1).
Genome position (GRCh38, 1-based): chr7:2,541,412, C>T on the plus strand (G>A on the coding strand, the complement: BRAT1 is on the minus strand). VCF-style: chr7-2541412-C-T. GRCh37 (hg19) VCF-style: chr7-2581046-C-T.
Other names: c.1207G>A, p.Gly403Ser (NM_001350626.2); c.682G>A, p.Gly228Ser (NM_001350627.2); short protein forms G403S, G228S.
Identifiers: ClinVar variation 472933 (VCV000472933.9), dbSNP rs779837588, ClinGen allele CA4127882.

ClinVar aggregate classification (germline): Uncertain significance. Review status: criteria provided, multiple submitters, no conflicts (2 of 4 stars). 4 submissions from 4 submitters: Uncertain significance (4). Last evaluated 2026-05-28.

Conditions:
Inborn genetic diseases. Identifiers: MedGen C0950123, MeSH D030342.
Neonatal-onset encephalopathy with rigidity and seizures. Also called: Lethal neonatal spasticity-epileptic encephalopathy syndrome. Identifiers: Orphanet 435845, MedGen C3281029, MONDO:0013784, OMIM 614498.

Allele frequency attached by ClinVar (database versions not stated): gnomAD 0.00002; gnomAD exomes 0.00004 and 0.00013; TOPMed 0.00005; ExAC 0.00012.
gnomAD v4.1: 189 of 1,596,540 alleles (0.012%); highest among the groups gnomAD compares: Non-Finnish European, 0.015%; no homozygotes.

Submissions (4):

GeneDx
Classification: Uncertain significance. Last evaluated: 2026-05-28. Review status: criteria provided, single submitter. Criteria: GeneDx Variant Classification Process June 2021. Collection method: clinical testing. Allele origin: germline.
Comment: Not observed at significant frequency in large population cohorts (gnomAD); In silico analysis supports that this missense variant has a deleterious effect on protein structure/function; Has not been previously published as pathogenic or benign to our knowledge

Ambry Genetics
Classification: Uncertain significance for Inborn genetic diseases. Last evaluated: 2023-12-31. Review status: criteria provided, single submitter. Criteria: Ambry Variant Classification Scheme 2023. Collection method: clinical testing. Allele origin: germline.

Labcorp Genetics (formerly Invitae), Labcorp
Classification: Uncertain significance for Neonatal-onset encephalopathy with rigidity and seizures. Last evaluated: 2022-08-16. Review status: criteria provided, single submitter. Criteria: Invitae Variant Classification Sherloc (09022015). Collection method: clinical testing. Allele origin: germline.
Comment: This sequence change replaces glycine, which is neutral and non-polar, with serine, which is neutral and polar, at codon 403 of the BRAT1 protein (p.Gly403Ser). This variant is present in population databases (rs779837588, gnomAD 0.009%). This variant has not been reported in the literature in individuals affected with BRAT1-related conditions. ClinVar contains an entry for this variant (Variation ID: 472933). Algorithms developed to predict the effect of missense changes on protein structure and function (SIFT, PolyPhen-2, Align-GVGD) all suggest that this variant is likely to be disruptive. Algorithms developed to predict the effect of sequence changes on RNA splicing suggest that this variant may create or strengthen a splice site. In summary, the available evidence is currently insufficient to determine the role of this variant in disease. Therefore, it has been classified as a Variant of Uncertain Significance.

Breakthrough Genomics
Classification: Uncertain significance. Review status: criteria provided, single submitter. Criteria: ACMG Guidelines, 2015. Collection method: not provided. Allele origin: germline. Inheritance: Autosomal recessive inheritance. Affected: yes.